The following is an entry in ClinVar:

NM_005458.8(GABBR2):c.90_101dup (p.Leu35_Ala36insLeuLeuProLeu)

Gene: GABBR2 (gamma-aminobutyric acid type B receptor subunit 2; minus strand). Cytogenetic location: 9q22.33.
Variant type: Duplication.
Coding change: c.90_101dup on transcript NM_005458.8 (MANE Select); coding-DNA positions 90 to 101, 12 bases duplicated (GCTGCTGCTGCC).
Protein change: p.Leu35_Ala36insLeuLeuProLeu.
Molecular consequence: inframe insertion.
Genome position (GRCh38, 1-based): chr9:98,708,637-98,708,648, GGCAGCAGCAGC duplicated on the plus strand (GCTGCTGCTGCC on the coding strand, the reverse complement: GABBR2 is on the minus strand); duplicating any 12 consecutive bases within chr9:98,708,637-98,708,659 gives the same sequence; the c. name uses the placement nearest the transcript's 3' end. VCF-style (leftmost placement, unchanged base first): chr9-98708636-A-AGGCAGCAGCAGC. GRCh37 (hg19) VCF-style: chr9-101470918-A-AGGCAGCAGCAGC.
Identifiers: ClinVar variation 2876129 (VCV002876129.3), dbSNP rs1830935127, ClinGen allele CA2739264881.

ClinVar aggregate classification (germline): Uncertain significance (1 of 4 stars; one submission).

Conditions:
Epileptic encephalopathy. Identifiers: HP:0200134, MedGen C0543888.

Submission:

Labcorp Genetics (formerly Invitae), Labcorp
Classification: Uncertain significance for Epileptic encephalopathy. Last evaluated: 2025-11-11. Review status: criteria provided, single submitter. Criteria: Invitae Variant Classification Sherloc (09022015). Collection method: clinical testing. Allele origin: germline.
Comment: This variant, c.90_101dup, results in the insertion of 4 amino acid(s) of the GABBR2 protein (p.Leu32_Leu35dup), but otherwise preserves the integrity of the reading frame. This variant is not present in population databases (gnomAD no frequency). This variant has not been reported in the literature in individuals affected with GABBR2-related conditions. ClinVar contains an entry for this variant (Variation ID: 2876129). In summary, the available evidence is currently insufficient to determine the role of this variant in disease. Therefore, it has been classified as a Variant of Uncertain Significance.